The following is an entry in ClinVar:

NM_000548.5(TSC2):c.855C>G (p.Tyr285Ter)

Gene: TSC2 (TSC complex subunit 2; plus strand). Cytogenetic location: 16p13.3.
Variant type: single nucleotide variant.
Coding change: c.855C>G on transcript NM_000548.5 (MANE Select); coding-DNA position 855, C replaced by G.
Protein change: p.Tyr285Ter; replaces tyrosine 285 with a stop codon.
Molecular consequence: nonsense.
Genome position (GRCh38, 1-based): chr16:2,058,753, C>G. VCF-style: chr16-2058753-C-G. GRCh37 (hg19) VCF-style: chr16-2108754-C-G.
Other names: c.855C>G, p.Tyr285Ter (NM_001077183.3, NM_001114382.3, NM_001363528.2 and 3 more transcripts); c.744C>G, p.Tyr248Ter (NM_001318827.2); c.708C>G, p.Tyr236Ter (NM_001318829.2); c.255C>G, p.Tyr85Ter (NM_001318831.2); c.888C>G, p.Tyr296Ter (NM_001318832.2); short protein forms Y236*, Y248*, Y285*, Y296*, Y85*.
Identifiers: ClinVar variation 1330490 (VCV001330490.7), dbSNP rs794726983, ClinGen allele CA394314930.

ClinVar aggregate classification (germline): Pathogenic (1 of 4 stars; one submission).

Submission:

ARUP Laboratories, Molecular Genetics and Genomics, ARUP Laboratories
Classification: Pathogenic. Last evaluated: 2021-02-10. Review status: criteria provided, single submitter. Criteria: ARUP Molecular Germline Variant Investigation Process 2021. Collection method: clinical testing. Allele origin: germline.
Comment: The TSC2 c.855C>G; p.Tyr285Ter variant is reported in an individual with a clinical diagnosis of tuberous sclerosis complex (Yang 2017). This variant is absent from general population databases (Exome Variant Server, Genome Aggregation Database), indicating it is not a common polymorphism. This variant induces an early termination codon and is predicted to result in a truncated protein or mRNA subject to nonsense-mediated decay. Loss of function TSC2 variants are a known pathogenic mechanism (Northrup 1999). Based on available information, this variant is considered to be pathogenic. References: Northrup H et al. Tuberous Sclerosis Complex. 1999 Jul 13 (Updated 2020 Apr 16). In: Adam MP et al., editors. GeneReviews (Internet). Seattle (WA): University of Washington, Seattle; 1993-2021. Available from an online resource Yang G et al. Phenotypic and genotypic characterization of Chinese children diagnosed with tuberous sclerosis complex. Clin Genet. 2017 May;91(5):764-768.